The following is an entry in ClinVar:

ClinVar aggregate classification (germline): Uncertain significance (1 of 4 stars; one submission).

Conditions:
POLD1-related polyposis and colorectal cancer syndrome (CRCS10). Also called: Colorectal cancer 10; COLORECTAL CANCER, SUSCEPTIBILITY TO, ON CHROMOSOME 19q; Colorectal cancer, susceptibility to, 10. Identifiers: Orphanet 220460, MedGen C2675481, MONDO:0012953, OMIM 612591.

Submission:

Labcorp Genetics (formerly Invitae), Labcorp
Classification: Uncertain significance for POLD1-related polyposis and colorectal cancer syndrome. Last evaluated: 2021-03-25. Review status: criteria provided, single submitter. Criteria: Invitae Variant Classification Sherloc (09022015). Collection method: clinical testing. Allele origin: germline.
Comment: In summary, the available evidence is currently insufficient to determine the role of this variant in disease. Therefore, it has been classified as a Variant of Uncertain Significance. Algorithms developed to predict the effect of missense changes on protein structure and function (SIFT, PolyPhen-2, Align-GVGD) all suggest that this variant is likely to be tolerated, but these predictions have not been confirmed by published functional studies and their clinical significance is uncertain. This variant has not been reported in the literature in individuals with POLD1-related conditions. This variant is not present in population databases (ExAC no frequency). This sequence change replaces phenylalanine with leucine at codon 241 of the POLD1 protein (p.Phe241Leu). The phenylalanine residue is weakly conserved and there is a small physicochemical difference between phenylalanine and leucine.

NM_002691.4(POLD1):c.721T>C (p.Phe241Leu)

Gene: POLD1 (DNA polymerase delta 1, catalytic subunit; plus strand). Cytogenetic location: 19q13.33.
Variant type: single nucleotide variant.
Coding change: c.721T>C on transcript NM_002691.4 (MANE Select); coding-DNA position 721, T replaced by C.
Protein change: p.Phe241Leu; replaces phenylalanine 241 with leucine.
Molecular consequence: missense variant. On other transcripts: non-coding transcript variant (1).
Genome position (GRCh38, 1-based): chr19:50,402,336, T>C. VCF-style: chr19-50402336-T-C. GRCh37 (hg19) VCF-style: chr19-50905593-T-C.
Other names: c.721T>C, p.Phe241Leu (NM_001256849.1, NM_001308632.1); short protein forms F241L.
Identifiers: ClinVar variation 1478333 (VCV001478333.8), dbSNP rs1568620331, ClinGen allele CA406974505.